The following is an entry in ClinVar:

ClinVar aggregate classification (germline): Conflicting classifications of pathogenicity. Review status: criteria provided, conflicting classifications (1 of 4 stars). 3 submissions from 3 submitters: Uncertain significance (1); Likely benign (2). Last evaluated 2025-11-27.

Conditions:
ANLN-related disorder. Also called: ANLN-related condition.

Allele frequency attached by ClinVar (database versions not stated): TOPMed 0.00008; gnomAD exomes 0.00016; ExAC 0.00014; gnomAD 0.00003 and 0.00002.
gnomAD v4.1: 52 of 1,613,910 alleles (0.0032%); highest among the groups gnomAD compares: Admixed American, 0.085%; no homozygotes.

Submissions (3):

PreventionGenetics, part of Exact Sciences
Classification: Likely benign for ANLN-related condition. Last evaluated: 2025-11-27. Review status: criteria provided, single submitter. Criteria: ACMG Guidelines, 2015. Collection method: clinical testing. Allele origin: germline.
Comment: This variant is classified as likely benign based on ACMG/AMP sequence variant interpretation guidelines (Richards et al. 2015 PMID: 25741868, with internal and published modifications).

Ambry Genetics
Classification: Uncertain significance. Last evaluated: 2025-06-09. Review status: criteria provided, single submitter. Criteria: Ambry Variant Classification Scheme 2023. Collection method: clinical testing. Allele origin: germline.

Labcorp Genetics (formerly Invitae), Labcorp
Classification: Likely benign. Last evaluated: 2024-06-26. Review status: criteria provided, single submitter. Criteria: Invitae Variant Classification Sherloc (09022015). Collection method: clinical testing. Allele origin: germline.

NM_018685.5(ANLN):c.8C>T (p.Pro3Leu)

Genes: ANLN (anillin, actin binding protein; plus strand), MATCAP2 (microtubule associated tyrosine carboxypeptidase 2; minus strand). Cytogenetic location: 7p14.2.
Variant type: single nucleotide variant.
Coding change: c.8C>T on transcript NM_018685.5 (MANE Select); coding-DNA position 8, C replaced by T.
Protein change: p.Pro3Leu; replaces proline 3 with leucine.
Molecular consequence: missense variant.
Genome position (GRCh38, 1-based): chr7:36,390,034, C>T. VCF-style: chr7-36390034-C-T. GRCh37 (hg19) VCF-style: chr7-36429643-C-T.
Other names: c.41G>A, p.Arg14Gln (NM_001100425.2); c.8C>T, p.Pro3Leu (NM_001284301.3, NM_001284302.3); short protein forms P3L, R14Q.
Identifiers: ClinVar variation 1115262 (VCV001115262.11), dbSNP rs779142813, ClinGen allele CA4219221.
Genomic context (GRCh38, chr7:36,390,034, plus strand): 5'-TTCCTGAATTTGAACCACCGTTTCCATCGTCTCGTAGTCCGACGCCTGGGGCGATGGATC[C>T]GTTTACGGAGGTGAGTGAGTTTGCGGGTGCAGCCAGCCATGACCCACCGCTCTAGGCCCC-3'
Protein context (NP_061155.2, residues 1-13): MD[Pro3Leu]FTEKLLERTR